The following is an entry in ClinVar:

NM_006231.4(POLE):c.2811C>G (p.Tyr937Ter)

Gene: POLE (DNA polymerase epsilon, catalytic subunit; minus strand). Cytogenetic location: 12q24.33.
Variant type: single nucleotide variant.
Coding change: c.2811C>G on transcript NM_006231.4 (MANE Select); coding-DNA position 2811, C replaced by G.
Protein change: p.Tyr937Ter; replaces tyrosine 937 with a stop codon.
Molecular consequence: nonsense.
Genome position (GRCh38, 1-based): chr12:132,661,580, G>C on the plus strand (C>G on the coding strand, the complement: POLE is on the minus strand). VCF-style: chr12-132661580-G-C. GRCh37 (hg19) VCF-style: chr12-133238166-G-C.
Other names: c.2811C>G (NM_006231.2); short protein forms Y937*.
Identifiers: ClinVar variation 1404218 (VCV001404218.8), dbSNP rs1593777350, ClinGen allele CA387393711.

ClinVar aggregate classification (germline): Conflicting classifications of pathogenicity. Review status: criteria provided, conflicting classifications (1 of 4 stars). 2 submissions from 2 submitters: Pathogenic (1); Uncertain significance (1). Last evaluated 2026-08-27.

Conditions:
Hereditary cancer-predisposing syndrome. Also called: Hereditary Cancer Syndrome; Neoplastic Syndromes, Hereditary; Hereditary neoplastic syndrome; Tumor predisposition. Identifiers: Orphanet 140162, MedGen C0027672, MeSH D009386, MONDO:0015356.

Allele frequency attached by ClinVar (database versions not stated): gnomAD exomes below 0.00001.
gnomAD v4.1: 3 of 1,614,182 alleles (0.00019%); highest among the groups gnomAD compares: Non-Finnish European, 0.00025%; no homozygotes.

Submissions (2):

Ambry Genetics
Classification: Uncertain significance for Hereditary cancer-predisposing syndrome. Last evaluated: 2026-08-27. Review status: criteria provided, single submitter. Criteria: Ambry Variant Classification Scheme 2023. Collection method: clinical testing. Allele origin: germline.
Comment: The p.Y937* variant (also known as c.2811C>G), located in coding exon 24 of the POLE gene, results from a C to G substitution at nucleotide position 2811. This changes the amino acid from a tyrosine to a stop codon within coding exon 24. This alteration is expected to result in loss of function by premature protein truncation or nonsense-mediated mRNA decay. Although biallelic loss of function of POLE has been associated with autosomal recessive POLE deficiency, haploinsufficiency of POLE has not been established as a mechanism of disease for POLE-related polymerase proofreading-associated polyposis (PPAP) and POLE-related CMMRD-like syndrome. Based on the supporting evidence, this variant is expected to be causative of POLE deficiency when present along with a second pathogenic variant on the other allele; however, its clinical significance for PPAP and POLE-related CMMRD-like syndrome is unclear.

Labcorp Genetics (formerly Invitae), Labcorp
Classification: Pathogenic. Last evaluated: 2024-07-09. Review status: criteria provided, single submitter. Criteria: Invitae Variant Classification Sherloc (09022015). Collection method: clinical testing. Allele origin: germline.
Comment: This sequence change creates a premature translational stop signal (p.Tyr937*) in the POLE gene. It is expected to result in an absent or disrupted protein product. Loss-of-function variants in POLE are known to be pathogenic (PMID: 23230001, 25948378, 30503519). This variant is not present in population databases (gnomAD no frequency). This variant has not been reported in the literature in individuals affected with POLE-related conditions. ClinVar contains an entry for this variant (Variation ID: 1404218). For these reasons, this variant has been classified as Pathogenic.

Literature cited by the submitters: PubMed 23230001 (cited by Labcorp Genetics (formerly Invitae), Labcorp); PubMed 25948378 (cited by Labcorp Genetics (formerly Invitae), Labcorp); PubMed 30503519 (cited by Labcorp Genetics (formerly Invitae), Labcorp).